The following is an entry in ClinVar:

ClinVar aggregate classification (germline): Pathogenic/Likely pathogenic. Review status: criteria provided, multiple submitters, no conflicts (2 of 4 stars). 2 submissions from 2 submitters: Pathogenic (1); Likely pathogenic (1). Last evaluated 2025-04-17.

Conditions:
Dystonia 12 (DYT12). Also called: DYT-ATP1A3; Rapid-Onset Dystonia-Parkinsonism (RDP). Identifiers: Orphanet 71517, MedGen C1868681, MONDO:0007496, OMIM 128235.

Submissions (2):

Labcorp Genetics (formerly Invitae), Labcorp
Classification: Pathogenic for Dystonia 12. Last evaluated: 2025-04-17. Review status: criteria provided, single submitter. Criteria: Invitae Variant Classification Sherloc (09022015). Collection method: clinical testing. Allele origin: germline.
Comment: This sequence change replaces leucine, which is neutral and non-polar, with arginine, which is basic and polar, at codon 326 of the ATP1A3 protein (p.Leu326Arg). This variant is not present in population databases (gnomAD no frequency). This missense change has been observed in individuals with alternating hemiplegia of childhood (PMID: 25996915, 26297560, 26410222; internal data). This variant is also known as c.1010T>G, p.L337R. ClinVar contains an entry for this variant (Variation ID: 429300). Invitae Evidence Modeling of protein sequence and biophysical properties (such as structural, functional, and spatial information, amino acid conservation, physicochemical variation, residue mobility, and thermodynamic stability) indicates that this missense variant is expected to disrupt ATP1A3 protein function with a positive predictive value of 95%. For these reasons, this variant has been classified as Pathogenic.

GeneDx
Classification: Likely pathogenic. Last evaluated: 2015-08-19. Review status: criteria provided, single submitter. Criteria: GeneDx Variant Classification (06012015). Collection method: clinical testing. Allele origin: germline. Affected: yes.
Comment: The L326R variant in the ATP1A3 gene has not been published as a pathogenic variant, nor has it been reported as a benign polymorphism to our knowledge. The L326R variant was not observed in approximately 6,500 individuals of European and African American ancestry in the NHLBI Exome Sequencing Project, indicating it is not a common benign variant in these populations. The L326R variant is a non-conservative amino acid substitution, which is likely to impact secondary protein structure as these residues differ in polarity, charge, size and/or other properties. This substitution occurs at a position that is conserved across species. In silico analysis predicts this variant is probably damaging to the protein structure/function. Missense variants in nearby residues (V322D, C333F, T335P) have been reported in the Human Gene Mutation Database in association with alternating hemiplegia of childhood (Stenson et al., 2014), supporting the functional importance of this region of the protein. The L326R variant is a strong candidate for a disease-causing variant, however the possibility it may be a rare benign variant cannot be excluded.

Literature cited by the submitters: PubMed 25996915 (cited by Labcorp Genetics (formerly Invitae), Labcorp); PubMed 26297560 (cited by Labcorp Genetics (formerly Invitae), Labcorp); PubMed 26410222 (cited by Labcorp Genetics (formerly Invitae), Labcorp).

NM_152296.5(ATP1A3):c.977T>G (p.Leu326Arg)

Gene: ATP1A3 (ATPase Na+/K+ transporting subunit alpha 3; minus strand). Cytogenetic location: 19q13.2.
Variant type: single nucleotide variant.
Coding change: c.977T>G on transcript NM_152296.5 (MANE Select); coding-DNA position 977, T replaced by G.
Protein change: p.Leu326Arg; replaces leucine 326 with arginine.
Molecular consequence: missense variant.
Genome position (GRCh38, 1-based): chr19:41,984,934, A>C on the plus strand (T>G on the coding strand, the complement: ATP1A3 is on the minus strand). VCF-style: chr19-41984934-A-C. GRCh37 (hg19) VCF-style: chr19-42489086-A-C.
Other names: c.1010T>G, p.Leu337Arg (NM_001256213.2); c.1016T>G, p.Leu339Arg (NM_001256214.2); short protein forms L326R, L337R, L339R.
Identifiers: ClinVar variation 429300 (VCV000429300.11), dbSNP rs1131691307, ClinGen allele CA406052127.